The following is an entry in ClinVar:

ClinVar aggregate classification (germline): Uncertain significance (1 of 4 stars; one submission).

gnomAD v4.1: 1 of 1,614,166 alleles (0.000062%); highest among the groups gnomAD compares: Non-Finnish European, 0.000085%; no homozygotes.

Submission:

Labcorp Genetics (formerly Invitae), Labcorp
Classification: Uncertain significance. Last evaluated: 2025-01-01. Review status: criteria provided, single submitter. Criteria: Invitae Variant Classification Sherloc (09022015). Collection method: clinical testing. Allele origin: germline.
Comment: This sequence change replaces asparagine, which is neutral and polar, with tyrosine, which is neutral and polar, at codon 658 of the XPR1 protein (p.Asn658Tyr). This variant is not present in population databases (gnomAD no frequency). This variant has not been reported in the literature in individuals affected with XPR1-related conditions. An algorithm developed to predict the effect of missense changes on protein structure and function (PolyPhen-2) suggests that this variant is likely to be tolerated. In summary, the available evidence is currently insufficient to determine the role of this variant in disease. Therefore, it has been classified as a Variant of Uncertain Significance.

NM_004736.4(XPR1):c.1972A>T (p.Asn658Tyr)

Gene: XPR1 (xenotropic and polytropic retrovirus receptor 1; plus strand). Cytogenetic location: 1q25.3.
Variant type: single nucleotide variant.
Coding change: c.1972A>T on transcript NM_004736.4 (MANE Select); coding-DNA position 1972, A replaced by T.
Protein change: p.Asn658Tyr; replaces asparagine 658 with tyrosine.
Molecular consequence: missense variant. On other transcripts: non-coding transcript variant (1).
Genome position (GRCh38, 1-based): chr1:180,880,239, A>T. VCF-style: chr1-180880239-A-T. GRCh37 (hg19) VCF-style: chr1-180849375-A-T.
Other names: c.1777A>T, p.Asn593Tyr (NM_001135669.2); short protein forms N593Y, N658Y.
Identifiers: ClinVar variation 3728447 (VCV003728447.2).
Genomic context (GRCh38, chr1:180,880,239, plus strand): 5'-GATCAGACTCTCCTAGAACAGATGATGGACCAGGATGATGGGGTACGAAACCGCCAGAAG[A>T]ATCGGTCATGGAAGTACAACCAGAGCATATCCCTGCGCCGGCCTCGCCTCGCTTCTCAGT-3'
Protein context (NP_004727.2, residues 648-668): QDDGVRNRQK[Asn658Tyr]RSWKYNQSIS